The following is an entry in ClinVar:

NM_000477.7(ALB):c.228_229del (p.Val78fs)

Gene: ALB (albumin; plus strand). Cytogenetic location: 4q13.3.
Variant type: Deletion.
Coding change: c.228_229del on transcript NM_000477.7 (MANE Select); coding-DNA positions 228 to 229, 2 bases deleted (AT; older notation c.228_229delAT).
Protein change: p.Val78fs; shifts the reading frame from valine 78.
Molecular consequence: frameshift variant.
Genome position (GRCh38, 1-based): chr4:73,406,719-73,406,720, AT deleted. VCF-style (leftmost placement, unchanged base first): chr4-73406718-CAT-C. GRCh37 (hg19) VCF-style: chr4-74272435-CAT-C.
Other names: albumin Kayseri; c.228_229delAT (NM_000477.5, NM_000477.6); short protein forms V78fs.
Identifiers: ClinVar variation 156319 (VCV000156319.14), dbSNP rs75152012, ClinGen allele CA170826.
Genomic context (GRCh38, chr4:73,406,718, plus strand): 5'-AGCAGTGTCCATTTGAAGATCATGTAAAATTAGTGAATGAAGTAACTGAATTTGCAAAAA[CAT>C]GTGTTGCTGATGAGTCAGCTGAAAATTGTGACAAATCACTTGTAAGTACATTCTAATTGT-3'

ClinVar aggregate classification (germline): Pathogenic. Review status: criteria provided, multiple submitters, no conflicts (2 of 4 stars). 6 submissions from 6 submitters: Pathogenic (5). 1 of the submissions does not count toward it. Last evaluated 2026-09-01.

Conditions:
ALB-related disorder. Also called: ALB-related condition.
Familial dysalbuminaemic hyperthyroxinaemia.
Analbuminemia (ANALBA). Also called: Analbuminemia, American Indian type; Analbuminemia, Vancouver. Identifiers: Orphanet 86816, MedGen C0878666, OMIM 616000.

Allele frequency attached by ClinVar (database versions not stated): gnomAD exomes 0.00004; gnomAD 0.00005; TOPMed 0.00005; ExAC 0.00006.

Submissions (6):

Cambridge Genomics Laboratory, East Genomic Laboratory Hub, NHS Genomic Medicine Service
Classification: Pathogenic for Familial dysalbuminaemic hyperthyroxinaemia. Last evaluated: 2026-09-01. Review status: criteria provided, single submitter. Criteria: ACGS Best Practice Guidelines for Variant Classification in Rare Disease 2020. Collection method: clinical testing. Allele origin: germline. Affected: yes.
Comment: PVS1,PM2,PM3

Labcorp Genetics (formerly Invitae), Labcorp
Classification: Pathogenic. Last evaluated: 2025-03-17. Review status: criteria provided, single submitter. Criteria: Invitae Variant Classification Sherloc (09022015). Collection method: clinical testing. Allele origin: germline.
Comment: This sequence change creates a premature translational stop signal (p.Val78Cysfs*2) in the ALB gene. It is expected to result in an absent or disrupted protein product. Loss-of-function variants in ALB are known to be pathogenic (PMID: 12028999). This variant is present in population databases (rs75152012, gnomAD 0.02%). This premature translational stop signal has been observed in individual(s) with analbuminemia (PMID: 12028999, 18459107). This variant is also known as Kayseri and 2430_2431del. ClinVar contains an entry for this variant (Variation ID: 156319). For these reasons, this variant has been classified as Pathogenic.

PreventionGenetics, part of Exact Sciences
Classification: Pathogenic for ALB-related condition. Last evaluated: 2025-01-13. Review status: criteria provided, single submitter. Criteria: ACMG Guidelines, 2015. Collection method: clinical testing. Allele origin: germline.
Comment: The ALB c.228_229delAT variant is predicted to result in a frameshift and premature protein termination (p.Val78Cysfs*2). This variant has been repeatedly reported in the homozygous state in patients with congenital analbuminemia and is suggested to be a founder variant in the Cree population (Galliano et al. 2002. PubMed ID: 12028999; Toye et al. 2012. PubMed ID: 23730173). This variant is reported in 0.016% of alleles in individuals of South Asian descent in gnomAD. Frameshift variants in ALB are expected to be pathogenic. This variant is interpreted as pathogenic.

Blueprint Genetics
Classification: Pathogenic for ALB-related disorders. Last evaluated: 2024-05-08. Review status: criteria provided, single submitter. Criteria: ACMG Guidelines, 2015. Collection method: clinical testing. Allele origin: germline. Affected: yes. Observed: 5 variant alleles.

GeneDx
Classification: Pathogenic. Last evaluated: 2023-01-19. Review status: criteria provided, single submitter. Criteria: GeneDx Variant Classification Process June 2021. Collection method: clinical testing. Allele origin: germline. Affected: yes.
Comment: Common recurrent variant located in a hypermutable region and also known as the Kayseri variant, accounting for up to 1/3 of patients with analbuminemia (Caridi et al., 2016; Caridi et al., 2018; Minchiotti et al., 2019); Frameshift variant predicted to result in protein truncation or nonsense mediated decay in a gene for which loss of function is a known mechanism of disease; This variant is associated with the following publications: (PMID: 22227324, 20638375, 34426522, 29981851, 27346974, 34662886, 12028999)

ClinVar Staff, National Center for Biotechnology Information (NCBI)
No classification provided. Review status: no classification provided. Collection method: not provided. Allele origin: unknown. Not counted in ClinVar's aggregate classification.

Literature cited by the submitters: PubMed 12028999 (cited by Labcorp Genetics (formerly Invitae), Labcorp); PubMed 18459107 (cited by Labcorp Genetics (formerly Invitae), Labcorp).